The following is an entry in ClinVar:

NM_001365536.1(SCN9A):c.4676C>A (p.Thr1559Asn)

Genes: SCN9A (sodium voltage-gated channel alpha subunit 9; minus strand), SCN1A-AS1 (SCN1A and SCN9A antisense RNA 1; plus strand). Cytogenetic location: 2q24.3.
Variant type: single nucleotide variant.
Coding change: c.4676C>A on transcript NM_001365536.1 (MANE Select); coding-DNA position 4676, C replaced by A.
Protein change: p.Thr1559Asn; replaces threonine 1559 with asparagine.
Molecular consequence: missense variant.
Genome position (GRCh38, 1-based): chr2:166,204,053, G>T on the plus strand (C>A on the coding strand, the complement: SCN9A is on the minus strand). VCF-style: chr2-166204053-G-T. GRCh37 (hg19) VCF-style: chr2-167060563-G-T.
Other names: c.4643C>A, p.Thr1548Asn (NM_002977.4); short protein forms T1559N, T1548N.
Identifiers: ClinVar variation 2932850 (VCV002932850.3), dbSNP rs2468895294, ClinGen allele CA349057453.

ClinVar aggregate classification (germline): Uncertain significance (1 of 4 stars; one submission).

Conditions:
Neuropathy, hereditary sensory and autonomic, type 2A (HSAN2A). Also called: ACROOSTEOLYSIS, GIACCAI TYPE; ACROOSTEOLYSIS, NEUROGENIC; WNK1-Related HSAN2 (HSAN2A); MORVAN DISEASE; NEUROPATHY, CONGENITAL SENSORY; NEUROPATHY, HEREDITARY SENSORY RADICULAR, AUTOSOMAL RECESSIVE. Identifiers: Orphanet 970, MedGen C2752089, MONDO:0024309, OMIM 201300.
Generalized epilepsy with febrile seizures plus, type 7 (GEFSP7). Also called: GEFS+, TYPE 7. Identifiers: Orphanet 36387, MedGen C2751778, MONDO:0013470, OMIM 613863.

gnomAD v4.1: 3 of 1,611,278 alleles (0.00019%); highest among the groups gnomAD compares: Non-Finnish European, 0.00025%; no homozygotes.

Submission:

Labcorp Genetics (formerly Invitae), Labcorp
Classification: Uncertain significance for Neuropathy, hereditary sensory and autonomic, type 2A; Generalized epilepsy with febrile seizures plus, type 7. Last evaluated: 2023-06-15. Review status: criteria provided, single submitter. Criteria: Invitae Variant Classification Sherloc (09022015). Collection method: clinical testing. Allele origin: germline.
Comment: This variant has not been reported in the literature in individuals affected with SCN9A-related conditions. This variant is not present in population databases (gnomAD no frequency). This sequence change replaces threonine, which is neutral and polar, with asparagine, which is neutral and polar, at codon 1548 of the SCN9A protein (p.Thr1548Asn). Advanced modeling of protein sequence and biophysical properties (such as structural, functional, and spatial information, amino acid conservation, physicochemical variation, residue mobility, and thermodynamic stability) performed at Invitae indicates that this missense variant is not expected to disrupt SCN9A protein function. In summary, the available evidence is currently insufficient to determine the role of this variant in disease. Therefore, it has been classified as a Variant of Uncertain Significance.